The following is an entry in ClinVar:

ClinVar aggregate classification (germline): Pathogenic. Review status: criteria provided, single submitter (1 of 4 stars). 2 submissions from 2 submitters: Pathogenic (1). 1 of the submissions does not count toward it. Last evaluated 2023-11-05.

Conditions:
LAMA2-related muscular dystrophy (LAMA2-RD). Also called: Laminin alpha 2-related dystrophy. Identifiers: MedGen C5679788, MONDO:0100228.
Merosin deficient congenital muscular dystrophy (MDC1A). Also called: Congenital merosin-deficient muscular dystrophy 1A; Congenital Muscular Dystrophy Type 1A (MDC1A). Identifiers: Orphanet 258, MedGen C1263858, MONDO:0011925, OMIM 607855.

gnomAD v4.1: 4 of 1,612,548 alleles (0.00025%); highest among the groups gnomAD compares: South Asian, 0.0044%; no homozygotes.

Submissions (2):

Labcorp Genetics (formerly Invitae), Labcorp
Classification: Pathogenic for LAMA2-related muscular dystrophy. Last evaluated: 2023-11-05. Review status: criteria provided, single submitter. Criteria: Invitae Variant Classification Sherloc (09022015). Collection method: clinical testing. Allele origin: germline.
Comment: This sequence change creates a premature translational stop signal (p.Tyr240*) in the LAMA2 gene. It is expected to result in an absent or disrupted protein product. Loss-of-function variants in LAMA2 are known to be pathogenic (PMID: 18700894, 32904964). This variant is present in population databases (no rsID available, gnomAD 0.01%). This variant has not been reported in the literature in individuals affected with LAMA2-related conditions. For these reasons, this variant has been classified as Pathogenic.

Hong-Tao Li Lab, Institute of Brain Science and Brain-inspired Research, Shandong First Medical University & Shandong Academy of Medical Sciences China
Classification: Pathogenic for Merosin deficient congenital muscular dystrophy. Review status: no assertion criteria provided. Collection method: research. Allele origin: germline. Inheritance: Autosomal recessive inheritance. Affected: yes. Observed: 1 variant allele, 1 homozygote. Not counted in ClinVar's aggregate classification.
Comment: Observed in affected individuals from a Pakistani neurodevelopmental-disorder research cohort of 263 individuals. Classification assigned using the ACMG/AMP framework. Population-frequency evidence: gnomAD AF 1.196e-05.

Literature cited by the submitters: PubMed 18700894 (cited by Labcorp Genetics (formerly Invitae), Labcorp); PubMed 32904964 (cited by Labcorp Genetics (formerly Invitae), Labcorp).

NM_000426.4(LAMA2):c.720T>G (p.Tyr240Ter)

Gene: LAMA2 (laminin subunit alpha 2; plus strand). Cytogenetic location: 6q22.33.
Variant type: single nucleotide variant.
Coding change: c.720T>G on transcript NM_000426.4 (MANE Select); coding-DNA position 720, T replaced by G.
Protein change: p.Tyr240Ter; replaces tyrosine 240 with a stop codon.
Molecular consequence: nonsense.
Genome position (GRCh38, 1-based): chr6:129,143,981, T>G. VCF-style: chr6-129143981-T-G. GRCh37 (hg19) VCF-style: chr6-129465126-T-G.
Other names: c.720T>G, p.Tyr240Ter (NM_001079823.2); short protein forms Y240*.
Identifiers: ClinVar variation 2693425 (VCV002693425.4), dbSNP rs773053547, ClinGen allele CA365606033.